The following is an entry in ClinVar:

NM_015272.5(RPGRIP1L):c.3141_3144del (p.Ser1048fs)

Gene: RPGRIP1L (RPGRIP1 like; minus strand). Cytogenetic location: 16q12.2.
Variant type: Deletion.
Coding change: c.3141_3144del on transcript NM_015272.5 (MANE Select); coding-DNA positions 3141 to 3144, 4 bases deleted (ATCT; older notation c.3141_3144delATCT).
Protein change: p.Ser1048fs; shifts the reading frame from serine 1048.
Molecular consequence: frameshift variant.
Genome position (GRCh38, 1-based): chr16:53,637,771-53,637,774, AGAT deleted on the plus strand (ATCT on the coding strand, the reverse complement: RPGRIP1L is on the minus strand); deleting any 4 consecutive bases within chr16:53,637,771-53,637,776 gives the same sequence; the c. name uses the placement nearest the transcript's 3' end. VCF-style (leftmost placement, unchanged base first): chr16-53637770-CAGAT-C. GRCh37 (hg19) VCF-style: chr16-53671682-CAGAT-C.
Other names: c.3039_3042del, p.Ser1014fs (NM_001127897.4, NM_001330538.2); c.3141_3144del, p.Ser1048fs (NM_001308334.3); short protein forms S1048fs, S1014fs.
Identifiers: ClinVar variation 2942088 (VCV002942088.3), dbSNP rs2543989370, ClinGen allele CA2740093341.
Genomic context (GRCh38, chr16:53,637,770, plus strand): 5'-CCTCTGTTATTTCTGTTTCATCTTCAGAAGATGCCAAGCTTTGTTCTGCAAGCTGACCTT[CAGAT>C]AGTAAAGACACATCATCTTTTCCTTGCTGCATTTTCTCAGTATTCTCTTTTACCTCATCT-3'

ClinVar aggregate classification (germline): Pathogenic (1 of 4 stars; one submission).

Conditions:
Joubert syndrome. Also called: CEREBELLOPARENCHYMAL DISORDER IV; JOUBERT-BOLTSHAUSER SYNDROME; Familial aplasia of the vermis. Identifiers: Orphanet 475, MedGen C5979921, MONDO:0018772.
Meckel-Gruber syndrome. Also called: DYSENCEPHALIA SPLANCHNOCYSTICA; GRUBER SYNDROME; Dysencephalia splachnocystica. Identifiers: Orphanet 564, MedGen C0265215, MONDO:0018921.

Submission:

Labcorp Genetics (formerly Invitae), Labcorp
Classification: Pathogenic for Joubert syndrome; Meckel-Gruber syndrome. Last evaluated: 2022-12-06. Review status: criteria provided, single submitter. Criteria: Invitae Variant Classification Sherloc (09022015). Collection method: clinical testing. Allele origin: germline.
Comment: For these reasons, this variant has been classified as Pathogenic. Algorithms developed to predict the effect of sequence changes on RNA splicing suggest that this variant may disrupt the consensus splice site. This variant has not been reported in the literature in individuals affected with RPGRIP1L-related conditions. This variant is not present in population databases (gnomAD no frequency). This sequence change creates a premature translational stop signal (p.Ser1048Lysfs*18) in the RPGRIP1L gene. It is expected to result in an absent or disrupted protein product. Loss-of-function variants in RPGRIP1L are known to be pathogenic (PMID: 17558409).

Literature cited by the submitters: PubMed 17558409.